The following is an entry in ClinVar:

NM_001854.4(COL11A1):c.1879C>G (p.Pro627Ala)

Gene: COL11A1 (collagen type XI alpha 1 chain; minus strand). Cytogenetic location: 1p21.1.
Variant type: single nucleotide variant.
Coding change: c.1879C>G on transcript NM_001854.4 (MANE Select); coding-DNA position 1879, C replaced by G.
Protein change: p.Pro627Ala; replaces proline 627 with alanine.
Molecular consequence: missense variant. On other transcripts: non-coding transcript variant (1).
Genome position (GRCh38, 1-based): chr1:103,004,628, G>C on the plus strand (C>G on the coding strand, the complement: COL11A1 is on the minus strand). VCF-style: chr1-103004628-G-C. GRCh37 (hg19) VCF-style: chr1-103470184-G-C.
Other names: c.1531C>G, p.Pro511Ala (NM_001168249.1, NM_080630.4); c.1762C>G, p.Pro588Ala (NM_001190709.2); c.1915C>G, p.Pro639Ala (NM_080629.3); short protein forms P511A, P588A, P627A, P639A.
Identifiers: ClinVar variation 1722207 (VCV001722207.5), dbSNP rs2525389046, ClinGen allele CA341172918.
Genomic context (GRCh38, chr1:103,004,628, plus strand): 5'-TAATTTTAAATATTTCTTAAGAAAAGAAGTATTAACATACCCTCATTCCATCATCACCAG[G>C]AGGACCTGGAGGACCTTGAGGACCTCGTTCACCCTGTTAAATCAATACAAATAAGATTAG-3'
Protein context (NP_001845.3, residues 617-637): ERGPQGPPGP[Pro627Ala]GDDGMRGEDG

ClinVar aggregate classification (germline): Uncertain significance (1 of 4 stars; one submission).

Submission:

Labcorp Genetics (formerly Invitae), Labcorp
Classification: Uncertain significance. Last evaluated: 2022-10-26. Review status: criteria provided, single submitter. Criteria: Invitae Variant Classification Sherloc (09022015). Collection method: clinical testing. Allele origin: germline.
Comment: Advanced modeling of protein sequence and biophysical properties (such as structural, functional, and spatial information, amino acid conservation, physicochemical variation, residue mobility, and thermodynamic stability) performed at Invitae indicates that this missense variant is not expected to disrupt COL11A1 protein function. In summary, the available evidence is currently insufficient to determine the role of this variant in disease. Therefore, it has been classified as a Variant of Uncertain Significance. This variant has not been reported in the literature in individuals affected with COL11A1-related conditions. This sequence change replaces proline, which is neutral and non-polar, with alanine, which is neutral and non-polar, at codon 627 of the COL11A1 protein (p.Pro627Ala). This variant is not present in population databases (gnomAD no frequency).